The following is an entry in ClinVar:

ClinVar aggregate classification (germline): Uncertain significance (1 of 4 stars; one submission).

Conditions:
Inborn genetic diseases. Identifiers: MedGen C0950123, MeSH D030342.

gnomAD v4.1: 1 of 1,613,914 alleles (0.000062%); highest among the groups gnomAD compares: Non-Finnish European, 0.000085%; no homozygotes.

Submission:

Ambry Genetics
Classification: Uncertain significance for Inborn genetic diseases. Last evaluated: 2025-09-25. Review status: criteria provided, single submitter. Criteria: Ambry Variant Classification Scheme 2023. Collection method: clinical testing. Allele origin: germline.
Comment: The p.R396C variant (also known as c.1186C>T), located in coding exon 8 of the MECOM gene, results from a C to T substitution at nucleotide position 1186. The arginine at codon 396 is replaced by cysteine, an amino acid with highly dissimilar properties. This amino acid position is conserved. In addition, this alteration is predicted to be deleterious by in silico analysis. Based on the available evidence, the clinical significance of this variant remains unclear.

NM_004991.4(MECOM):c.1186C>T (p.Arg396Cys)

Gene: MECOM (MDS1 and EVI1 complex locus; minus strand). Cytogenetic location: 3q26.2.
Variant type: single nucleotide variant.
Coding change: c.1186C>T on transcript NM_004991.4 (MANE Select); coding-DNA position 1186, C replaced by T.
Protein change: p.Arg396Cys; replaces arginine 396 with cysteine.
Molecular consequence: missense variant. On other transcripts: intron variant (2).
Genome position (GRCh38, 1-based): chr3:169,116,686, G>A on the plus strand (C>T on the coding strand, the complement: MECOM is on the minus strand). VCF-style: chr3-169116686-G-A. GRCh37 (hg19) VCF-style: chr3-168834474-G-A.
Other names: c.817C>T, p.Arg273Cys (NM_001105077.4); c.622C>T, p.Arg208Cys (NM_001105078.4, NM_001164000.2, NM_001205194.2 and 4 more transcripts); c.625C>T, p.Arg209Cys (NM_001163999.2, NM_001366467.2, NM_001366468.2 and 1 more transcripts); c.1186C>T, p.Arg396Cys (NM_001366466.2); c.1133-919C>T (NM_001366473.2); c.569-919C>T (NM_001366474.2); short protein forms R273C, R396C, R208C, R209C.
Identifiers: ClinVar variation 4624599 (VCV004624599.1).
Genomic context (GRCh38, chr3:169,116,686, plus strand): 5'-TGCTGAACATTTGTCCACAGTCTTTGCACTTGATTTGGGTTCTGCAATCAGCATGCATGC[G>A]CTTATGACGGCAAAGGTTTGAAAACTGAGTATAGGATTTATGGCAGACCTCACCTGTGTG-3'
Protein context (NP_004982.2, residues 386-406): TQFSNLCRHK[Arg396Cys]MHADCRTQIK